The following is an entry in ClinVar:

NM_012232.6(CAVIN1):c.459_462delinsAAT (p.Met154fs)

Gene: CAVIN1 (caveolae associated protein 1; minus strand). Cytogenetic location: 17q21.2.
Variant type: Indel.
Coding change: c.459_462delinsAAT on transcript NM_012232.6 (MANE Select); coding-DNA positions 459 to 462, CATG replaced by AAT.
Protein change: p.Met154fs; shifts the reading frame from methionine 154.
Molecular consequence: frameshift variant.
Genome position (GRCh38, 1-based): chr17:42,422,636-42,422,639, CATG replaced by ATT on the plus strand (CATG replaced by AAT on the coding strand, the reverse complement: CAVIN1 is on the minus strand). VCF-style: chr17-42422636-CATG-ATT. GRCh37 (hg19) VCF-style: chr17-40574654-CATG-ATT.
Other names: short protein forms M154fs.
Identifiers: ClinVar variation 2633945 (VCV002633945.1), dbSNP rs2509875985, ClinGen allele CA2695201328.

ClinVar aggregate classification (germline): Likely pathogenic (1 of 4 stars; one submission).

Conditions:
CAVIN1-related disorder. Also called: CAVIN1-related condition.

Submission:

PreventionGenetics, part of Exact Sciences
Classification: Likely pathogenic for CAVIN1-related condition. Last evaluated: 2023-10-09. Review status: criteria provided, single submitter. Criteria: ACMG Guidelines, 2015. Collection method: clinical testing. Allele origin: germline.
Comment: The CAVIN1 c.459_462delinsAAT variant is predicted to result in a frameshift and premature protein termination (p.Met154Ilefs*7). To our knowledge, this variant has not been reported in the literature or in a large population database, indicating this variant is rare. Frameshift variants in CAVIN1 are expected to be pathogenic. This variant is interpreted as likely pathogenic.